The following is an entry in ClinVar:

ClinVar aggregate classification (germline): Pathogenic/Likely pathogenic. Review status: criteria provided, multiple submitters, no conflicts (2 of 4 stars). 2 submissions from 2 submitters: Pathogenic (1); Likely pathogenic (1). Last evaluated 2025-05-13.

Conditions:
Basal cell nevus syndrome 1 (BCNS1). Also called: GORLIN-GOLTZ SYNDROME; MULTIPLE BASAL CELL NEVI, ODONTOGENIC KERATOCYSTS, AND SKELETAL ANOMALIES. Identifiers: MedGen CN376810, MONDO:0958174, OMIM 109400.
Gorlin syndrome. Also called: Nevoid Basal Cell Carcinoma Syndrome; Basal cell nevus syndrome. Identifiers: Orphanet 377, MedGen C0004779, MONDO:0007187.

Submissions (2):

Institute for Genomic Medicine (IGM) Clinical Laboratory, Nationwide Children's Hospital
Classification: Likely pathogenic for Basal cell nevus syndrome 1. Last evaluated: 2025-05-13. Review status: criteria provided, single submitter. Criteria: ACMG Guidelines, 2015. Collection method: clinical testing. Allele origin: germline.
Comment: This variant is predicted to result in loss of function through nonsense-mediated decay of the encoded transcript or premature truncation of the encoded protein in a gene in which loss of function is a known mechanism of disease (ACMG/AMP: PVS1; PMIDs:30411536, 29575684). This variant is absent from or present at an exceedingly low frequency in gnomAD, a large-scale control population database (ACMG/AMP: PM2).

Labcorp Genetics (formerly Invitae), Labcorp
Classification: Pathogenic for Gorlin syndrome. Last evaluated: 2022-12-08. Review status: criteria provided, single submitter. Criteria: Invitae Variant Classification Sherloc (09022015). Collection method: clinical testing. Allele origin: germline.
Comment: This sequence change creates a premature translational stop signal (p.Lys370Serfs*62) in the PTCH1 gene. It is expected to result in an absent or disrupted protein product. Loss-of-function variants in PTCH1 are known to be pathogenic (PMID: 16301862, 16419085). For these reasons, this variant has been classified as Pathogenic. This variant is not present in population databases (gnomAD no frequency). This variant has not been reported in the literature in individuals affected with PTCH1-related conditions.

Literature cited by the submitters: PubMed 30411536 (cited by Institute for Genomic Medicine (IGM) Clinical Laboratory, Nationwide Children's Hospital); PubMed 29575684 (cited by Institute for Genomic Medicine (IGM) Clinical Laboratory, Nationwide Children's Hospital); PubMed 16301862 (cited by Labcorp Genetics (formerly Invitae), Labcorp); PubMed 16419085 (cited by Labcorp Genetics (formerly Invitae), Labcorp).

NM_000264.5(PTCH1):c.1104del (p.Lys370fs)

Gene: PTCH1 (patched 1; minus strand). Cytogenetic location: 9q22.32.
Variant type: Deletion.
Coding change: c.1104del on transcript NM_000264.5 (MANE Select); coding-DNA position 1104, one base deleted (T; older notation c.1104delT).
Protein change: p.Lys370fs; shifts the reading frame from lysine 370.
Molecular consequence: frameshift variant. On other transcripts: non-coding transcript variant (1).
Genome position (GRCh38, 1-based): chr9:95,479,111, A deleted on the plus strand (T on the coding strand, the reverse complement: PTCH1 is on the minus strand). VCF-style (leftmost placement, unchanged base first): chr9-95479110-GA-G. GRCh37 (hg19) VCF-style: chr9-98241392-GA-G.
Other names: c.906del, p.Lys304fs (NM_001083602.3); c.1101del, p.Lys369fs (NM_001083603.3); c.651del, p.Lys219fs (NM_001083604.3, NM_001083605.3, NM_001083606.3 and 1 more transcripts); c.1104del, p.Lys370fs (NM_001354918.2); short protein forms K304fs, K370fs, K219fs, K369fs.
Identifiers: ClinVar variation 2819522 (VCV002819522.4), dbSNP rs2538217642, ClinGen allele CA2739264785.